The following is an entry in ClinVar:

ClinVar aggregate classification (germline): Uncertain significance (1 of 4 stars; one submission).

Conditions:
Dilated cardiomyopathy 1W (CMD1W). Identifiers: Orphanet 154, MedGen C1969639, MONDO:0012667, OMIM 611407.

Allele frequency attached by ClinVar (database versions not stated): TOPMed below 0.00001.

Submission:

Labcorp Genetics (formerly Invitae), Labcorp
Classification: Uncertain significance for Dilated cardiomyopathy 1W. Last evaluated: 2024-01-22. Review status: criteria provided, single submitter. Criteria: Invitae Variant Classification Sherloc (09022015). Collection method: clinical testing. Allele origin: germline.
Comment: This sequence change replaces glutamine, which is neutral and polar, with arginine, which is basic and polar, at codon 18 of the VCL protein (p.Gln18Arg). This variant is not present in population databases (gnomAD no frequency). This variant has not been reported in the literature in individuals affected with VCL-related conditions. ClinVar contains an entry for this variant (Variation ID: 1012146). An algorithm developed to predict the effect of missense changes on protein structure and function (PolyPhen-2) suggests that this variant is likely to be disruptive. In summary, the available evidence is currently insufficient to determine the role of this variant in disease. Therefore, it has been classified as a Variant of Uncertain Significance.

NM_014000.3(VCL):c.53A>G (p.Gln18Arg)

Genes: VCL (vinculin; plus strand), LOC130004109 (ATAC-STARR-seq lymphoblastoid active region 3587; plus strand). Cytogenetic location: 10q22.2.
Variant type: single nucleotide variant.
Coding change: c.53A>G on transcript NM_014000.3 (MANE Select); coding-DNA position 53, A replaced by G.
Protein change: p.Gln18Arg; replaces glutamine 18 with arginine.
Molecular consequence: missense variant.
Genome position (GRCh38, 1-based): chr10:73,998,260, A>G. VCF-style: chr10-73998260-A-G. GRCh37 (hg19) VCF-style: chr10-75758018-A-G.
Other names: c.53A>G, p.Gln18Arg (NM_003373.4); short protein forms Q18R.
Identifiers: ClinVar variation 1012146 (VCV001012146.9), dbSNP rs1840153312, ClinGen allele CA377254842.